The following is an entry in ClinVar:

NM_005639.3(SYT1):c.1158G>A (p.Ala386=)

Gene: SYT1 (synaptotagmin 1; plus strand). Cytogenetic location: 12q21.2.
Variant type: single nucleotide variant.
Coding change: c.1158G>A on transcript NM_005639.3 (MANE Select); coding-DNA position 1158, G replaced by A.
Protein change: p.Ala386=; no amino-acid change (alanine 386 retained).
Molecular consequence: synonymous variant.
Genome position (GRCh38, 1-based): chr12:79,449,013, G>A. VCF-style: chr12-79449013-G-A. GRCh37 (hg19) VCF-style: chr12-79842793-G-A.
Other names: c.1158G>A (NM_001135805.1); c.1158G>A, p.Ala386= (NM_001135805.2, NM_001135806.2); c.1149G>A, p.Ala383= (NM_001291901.2).
Identifiers: ClinVar variation 778644 (VCV000778644.31), dbSNP rs56012845, ClinGen allele CA6698989.

ClinVar aggregate classification (germline): Benign/Likely benign. Review status: criteria provided, multiple submitters, no conflicts (2 of 4 stars). 5 submissions from 5 submitters: Benign (2); Likely benign (2). 1 of the submissions does not count toward it. Last evaluated 2026-05-01.

Conditions:
SYT1-related disorder. Also called: SYT1-related condition.

Allele frequency attached by ClinVar (database versions not stated): TOPMed 0.00262; gnomAD exomes 0.00296 and 0.00303; gnomAD 0.00306 and 0.00314; 1000 Genomes Project 0.00140; 1000 Genomes Project 30x 0.00156; ESP Exome Variant Server 0.00254; ExAC 0.00258.
gnomAD v4.1: 4,924 of 1,614,232 alleles (0.31%); highest among the groups gnomAD compares: Middle Eastern, 1.9%; 22 homozygotes.

Submissions (5):

CeGaT Center for Human Genetics Tuebingen
Classification: Likely benign. Last evaluated: 2026-05-01. Review status: criteria provided, single submitter. Criteria: CeGaT Center For Human Genetics Tuebingen Variant Classification Criteria Version 2. Collection method: clinical testing. Allele origin: germline. Affected: yes. Observed: 20 variant alleles.
Comment: SYT1: BP4, BP7, BS2

Blueprint Genetics
Classification: Likely benign. Last evaluated: 2024-11-26. Review status: criteria provided, single submitter. Criteria: ACMG Guidelines, 2015. Collection method: clinical testing. Allele origin: germline.

Labcorp Genetics (formerly Invitae), Labcorp
Classification: Benign. Last evaluated: 2019-12-31. Review status: criteria provided, single submitter. Criteria: Invitae Variant Classification Sherloc (09022015). Collection method: clinical testing. Allele origin: germline.

Breakthrough Genomics
Classification: Benign. Review status: criteria provided, single submitter. Criteria: ACMG Guidelines, 2015. Collection method: not provided. Allele origin: germline. Inheritance: Autosomal dominant inheritance. Affected: yes.

PreventionGenetics, part of Exact Sciences
Classification: Likely benign for SYT1-related condition. Last evaluated: 2019-02-18. Review status: no assertion criteria provided. Collection method: clinical testing. Allele origin: germline. Not counted in ClinVar's aggregate classification.
Comment: This variant is classified as likely benign based on ACMG/AMP sequence variant interpretation guidelines (Richards et al. 2015 PMID: 25741868, with internal and published modifications).